The following is an entry in ClinVar:

ClinVar aggregate classification (germline): Likely benign. Review status: criteria provided, multiple submitters, no conflicts (2 of 4 stars). 5 submissions from 5 submitters: Likely benign (5). Last evaluated 2026-02-01.

Conditions:
Cardiovascular phenotype. Identifiers: MedGen CN230736.
Autosomal recessive limb-girdle muscular dystrophy type 2J (LGMDR10). Also called: Limb-girdle muscular dystrophy, type 2J; MUSCULAR DYSTROPHY, LIMB-GIRDLE, AUTOSOMAL RECESSIVE 10. Identifiers: Orphanet 140922, MedGen C1837342, MONDO:0012127, OMIM 608807.
Dilated cardiomyopathy 1G (CMD1G). Identifiers: Orphanet 154, MedGen C1858763, MONDO:0011400, OMIM 604145.

Allele frequency attached by ClinVar (database versions not stated): gnomAD exomes 0.00001 and 0.00003; ExAC 0.00002; TOPMed 0.00006; gnomAD 0.00011 and 0.00019.
gnomAD v4.1: 39 of 1,613,770 alleles (0.0024%); highest among the groups gnomAD compares: African/African-American, 0.008%; 1 homozygote.

Submissions (5):

CeGaT Center for Human Genetics Tuebingen
Classification: Likely benign. Last evaluated: 2026-02-01. Review status: criteria provided, single submitter. Criteria: CeGaT Center For Human Genetics Tuebingen Variant Classification Criteria Version 2. Collection method: clinical testing. Allele origin: germline. Affected: yes. Observed: 2 variant alleles.
Comment: TTN: BP4, BP7

Labcorp Genetics (formerly Invitae), Labcorp
Classification: Likely benign for Dilated cardiomyopathy 1G; Autosomal recessive limb-girdle muscular dystrophy type 2J. Last evaluated: 2025-11-17. Review status: criteria provided, single submitter. Criteria: Invitae Variant Classification Sherloc (09022015). Collection method: clinical testing. Allele origin: germline.

Blueprint Genetics
Classification: Likely benign. Last evaluated: 2024-09-17. Review status: criteria provided, single submitter. Criteria: ACMG Guidelines, 2015. Collection method: clinical testing. Allele origin: germline.

GeneDx
Classification: Likely benign. Last evaluated: 2018-07-26. Review status: criteria provided, single submitter. Criteria: GeneDx Variant Classification Process June 2021. Collection method: clinical testing. Allele origin: germline. Affected: yes.

Ambry Genetics
Classification: Likely benign for Cardiovascular phenotype. Last evaluated: 2015-05-21. Review status: criteria provided, single submitter. Criteria: Ambry Variant Classification Scheme 2023. Collection method: clinical testing. Allele origin: germline.

NM_001267550.2(TTN):c.6714G>A (p.Thr2238=)

Gene: TTN (titin; minus strand). Cytogenetic location: 2q31.2.
Variant type: single nucleotide variant.
Coding change: c.6714G>A on transcript NM_001267550.2 (MANE Select); coding-DNA position 6714, G replaced by A.
Protein change: p.Thr2238=; no amino-acid change (threonine 2238 retained).
Molecular consequence: synonymous variant.
Genome position (GRCh38, 1-based): chr2:178,774,997, C>T on the plus strand (G>A on the coding strand, the complement: TTN is on the minus strand). VCF-style: chr2-178774997-C-T. GRCh37 (hg19) VCF-style: chr2-179639724-C-T.
Other names: c.6714G>A, p.Thr2238= (NM_001256850.1, NM_133378.4, NM_133379.5); c.6576G>A, p.Thr2192= (NM_003319.4, NM_133432.3, NM_133437.4).
Identifiers: ClinVar variation 264009 (VCV000264009.27), dbSNP rs774836314, ClinGen allele CA2004991.